The following is an entry in ClinVar:

NM_006618.5(KDM5B):c.2345del (p.Ala781_Leu782insTer)

Gene: KDM5B (lysine demethylase 5B; minus strand). Cytogenetic location: 1q32.1.
Variant type: Deletion.
Coding change: c.2345del on transcript NM_006618.5 (MANE Select); coding-DNA position 2345, one base deleted (T; older notation c.2345delT).
Protein change: p.Ala781_Leu782insTer.
Molecular consequence: nonsense.
Genome position (GRCh38, 1-based): chr1:202,742,784, A deleted on the plus strand (T on the coding strand, the reverse complement: KDM5B is on the minus strand); the first of 3 consecutive A bases (chr1:202,742,784-202,742,786); deleting any one gives the same sequence. VCF-style (leftmost placement, unchanged base first): chr1-202742783-TA-T. GRCh37 (hg19) VCF-style: chr1-202711911-TA-T.
Other names: c.2453del, p.Ala817_Leu818insTer (NM_001314042.2); c.2210del, p.Ala736_Leu737insTer (NM_001347591.2); c.2330del, p.Ala776_Leu777insTer (NM_001399817.1).
Identifiers: ClinVar variation 4759458 (VCV004759458.1).
Genomic context (GRCh38, chr1:202,742,783, plus strand): 5'-TAGGCGAAGGTGTCGCAAAAGATCATTGTCTGGGAATTTCTTCATTTCAGATTCTTCAAT[TA>T]AAGCCTTGAAGCTGACAAGGCCTAGGAATGAAGAAAAAAGTCATATTTTCTGTAATCATT-3'

ClinVar aggregate classification (germline): Uncertain significance (1 of 4 stars; one submission).

Conditions:
Intellectual developmental disorder, autosomal recessive 65. Also called: MENTAL RETARDATION, AUTOSOMAL RECESSIVE 65; Intellectual disability, autosomal recessive 65. Identifiers: MedGen C4748219, MONDO:0020850, OMIM 618109.

Submission:

Illumina Laboratory Services, Illumina
Classification: Uncertain significance for Intellectual developmental disorder, autosomal recessive 65. Last evaluated: 2023-12-06. Review status: criteria provided, single submitter. Criteria: ISL SNV Classification Criteria 03 February 2026. Collection method: clinical testing. Allele origin: unknown.
Comment: The KDM5B c.2453del p.(Leu818Ter) variant causes a shift in the protein reading frame that is predicted to result in premature termination of the protein. Loss of normal protein function through either protein truncation or nonsense-mediated mRNA decay is expected. To our knowledge, the c.2453del variant has not been reported in the peer-reviewed literature. This variant is not observed in version 2.1.1 or version 4.0.0 of the Genome Aggregation Database. Based on the available evidence, the c.2453del p.(Leu818Ter) variant is classified as a variant of uncertain significance for intellectual disability.